The following is an entry in ClinVar:

ClinVar aggregate classification (germline): Conflicting classifications of pathogenicity. Review status: criteria provided, conflicting classifications (1 of 4 stars). 8 submissions from 7 submitters: Uncertain significance (3); Benign (1); Likely benign (4). Last evaluated 2026-02-24.

Conditions:
Fibrochondrogenesis 2 (FBCG2). Identifiers: Orphanet 2021, MedGen C3281128, MONDO:0013795, OMIM 614524.
Otospondylomegaepiphyseal dysplasia, autosomal recessive (OSMEDB). Also called: Insley-Astley syndrome; CHONDRODYSTROPHY WITH SENSORINEURAL DEAFNESS. Identifiers: Orphanet 1427, MedGen CN034493, MONDO:0044206, OMIM 215150.

Allele frequency attached by ClinVar (database versions not stated): TOPMed 0.00009; gnomAD 0.00012; 1000 Genomes Project 30x 0.00016; 1000 Genomes Project 0.00020.
gnomAD v4.1: 147 of 1,611,186 alleles (0.0091%); highest among the groups gnomAD compares: Admixed American, 0.0084%; no homozygotes.

Submissions (8):

Women's Health and Genetics/Laboratory Corporation of America, LabCorp
Classification: Uncertain significance. Last evaluated: 2026-02-24. Review status: criteria provided, single submitter. Criteria: LabCorp Variant Classification Summary - May 2015. Collection method: clinical testing. Allele origin: germline.
Comment: Variant summary: COL11A2 c.1287C>T (p.Gly429Gly) alters a conserved nucleotide located close to a canonical splice site and therefore could affect mRNA splicing, leading to a significantly altered protein sequence. Consensus agreement among computation tools predict no significant impact on normal splicing. However, these predictions have yet to be confirmed by functional studies. The variant allele was found at a frequency of 0.00016 in 244466 control chromosomes. This frequency is not significantly higher than estimated for disease-causing variants in COL11A2, allowing no conclusion about variant significance. To our knowledge, no occurrence of c.1287C>T in individuals affected with COL11A2-related conditions and no experimental evidence demonstrating its impact on protein function have been reported. ClinVar contains an entry for this variant (Variation ID: 162993). Based on the evidence outlined above, the variant was classified as uncertain significance.

Labcorp Genetics (formerly Invitae), Labcorp
Classification: Benign. Last evaluated: 2026-02-01. Review status: criteria provided, single submitter. Criteria: Invitae Variant Classification Sherloc (09022015). Collection method: clinical testing. Allele origin: germline.

ARUP Laboratories, Molecular Genetics and Genomics, ARUP Laboratories
Classification: Likely benign. Last evaluated: 2024-11-25. Review status: criteria provided, single submitter. Criteria: ARUP Molecular Germline Variant Investigation Process 2024. Collection method: clinical testing. Allele origin: germline.

Blueprint Genetics
Classification: Likely benign. Last evaluated: 2024-10-25. Review status: criteria provided, single submitter. Criteria: ACMG Guidelines, 2015. Collection method: clinical testing. Allele origin: germline.

GeneDx
Classification: Likely benign. Last evaluated: 2020-08-26. Review status: criteria provided, single submitter. Criteria: GeneDx Variant Classification Process June 2021. Collection method: clinical testing. Allele origin: germline. Affected: yes.

Illumina Laboratory Services, Illumina
Classification: Uncertain significance for Otospondylomegaepiphyseal dysplasia, autosomal recessive. Last evaluated: 2018-01-13. Review status: criteria provided, single submitter. Criteria: ICSL Variant Classification Criteria 13 December 2019. Collection method: clinical testing. Allele origin: germline.

Illumina Laboratory Services, Illumina
Classification: Uncertain significance for Fibrochondrogenesis 2. Last evaluated: 2018-01-13. Review status: criteria provided, single submitter. Criteria: ICSL Variant Classification Criteria 13 December 2019. Collection method: clinical testing. Allele origin: germline.

Laboratory for Molecular Medicine, Mass General Brigham Personalized Medicine
Classification: Likely benign. Last evaluated: 2013-04-08. Review status: criteria provided, single submitter. Criteria: LMM Criteria. Collection method: clinical testing. Allele origin: germline. Observed: 1 variant allele.
Comment: Gly429Gly in exon 12 of COL11A2: This variant is not expected to have clinical s ignificance because it does not alter an amino acid residue and is not located w ithin the splice consensus sequence.

NM_080680.3(COL11A2):c.1287C>T (p.Gly429=)

Gene: COL11A2 (collagen type XI alpha 2 chain; minus strand). Cytogenetic location: 6p21.32.
Variant type: single nucleotide variant.
Coding change: c.1287C>T on transcript NM_080680.3 (MANE Select); coding-DNA position 1287, C replaced by T.
Protein change: p.Gly429=; no amino-acid change (glycine 429 retained).
Molecular consequence: synonymous variant.
Genome position (GRCh38, 1-based): chr6:33,180,330, G>A on the plus strand (C>T on the coding strand, the complement: COL11A2 is on the minus strand). VCF-style: chr6-33180330-G-A. GRCh37 (hg19) VCF-style: chr6-33148107-G-A.
Other names: c.966C>T, p.Gly322= (NM_080679.3); c.1029C>T, p.Gly343= (NM_080681.3).
Identifiers: ClinVar variation 162993 (VCV000162993.22), dbSNP rs549704545, ClinGen allele CA175571.